The following is an entry in ClinVar:

NM_017775.4(TTC19):c.*709T>A

Genes: TTC19 (tetratricopeptide repeat domain 19; plus strand), LOC130060312 (ATAC-STARR-seq lymphoblastoid silent region 8215; plus strand). Cytogenetic location: 17p12.
Variant type: single nucleotide variant.
Coding change: c.*709T>A on transcript NM_017775.4 (MANE Select); 709 bases downstream of the stop codon, T replaced by A.
Molecular consequence: 3 prime UTR variant.
Genome position (GRCh38, 1-based): chr17:16,028,231, T>A. VCF-style: chr17-16028231-T-A. GRCh37 (hg19) VCF-style: chr17-15931545-T-A.
Other names: c.*709T>A (NM_001271420.2).
Identifiers: ClinVar variation 321961 (VCV000321961.5), dbSNP rs11554356, ClinGen allele CA8407672.

ClinVar aggregate classification (germline): Likely benign (1 of 4 stars; one submission).

Conditions:
Mitochondrial complex III deficiency nuclear type 2. Identifiers: MedGen C3554605, MONDO:0014063, OMIM 615157.

Allele frequency attached by ClinVar (database versions not stated): gnomAD exomes 0.03751 and 0.04410; ExAC 0.04618; gnomAD 0.05121 and 0.05165; TOPMed 0.05372; 1000 Genomes Project 0.06829; 1000 Genomes Project 30x 0.06980.
gnomAD v4.1: 19,113 of 454,104 alleles (4.2%); highest among the groups gnomAD compares: African/African-American, 9.7%; 542 homozygotes.

Submission:

Illumina Laboratory Services, Illumina
Classification: Likely benign for Mitochondrial complex III deficiency nuclear type 2. Last evaluated: 2018-01-13. Review status: criteria provided, single submitter. Criteria: ICSL Variant Classification Criteria 13 December 2019. Collection method: clinical testing. Allele origin: germline.
Comment: This variant was observed in the ICSL laboratory as part of a predisposition screen in an ostensibly healthy population. It had not been previously curated by ICSL or reported in the Human Gene Mutation Database (HGMD: prior to June 1st, 2018), and was therefore a candidate for classification through an automated scoring system. Utilizing variant allele frequency, disease prevalence and penetrance estimates, and inheritance mode, an automated score was calculated to assess if this variant is too frequent to cause the disease. Based on the score and internal cut-off values, a variant classified as likely benign is not then subjected to further curation. The score for this variant resulted in a classification of likely benign for this disease.